The following is an entry in ClinVar:

ClinVar aggregate classification (germline): Benign/Likely benign. Review status: criteria provided, multiple submitters, no conflicts (2 of 4 stars). 4 submissions from 4 submitters: Benign (1); Likely benign (3). Last evaluated 2026-04-01.

Allele frequency attached by ClinVar (database versions not stated): 1000 Genomes Project 30x 0.00031; 1000 Genomes Project 0.00040; ESP Exome Variant Server 0.00040; gnomAD 0.00048 and 0.00054.
gnomAD v4.1: 797 of 1,611,044 alleles (0.049%); highest among the groups gnomAD compares: Middle Eastern, 0.46%; 5 homozygotes.

Submissions (4):

CeGaT Center for Human Genetics Tuebingen
Classification: Likely benign. Last evaluated: 2026-04-01. Review status: criteria provided, single submitter. Criteria: CeGaT Center For Human Genetics Tuebingen Variant Classification Criteria Version 2. Collection method: clinical testing. Allele origin: germline. Affected: yes. Observed: 11 variant alleles.
Comment: RTTN: BP4, BS2

Labcorp Genetics (formerly Invitae), Labcorp
Classification: Benign. Last evaluated: 2026-01-27. Review status: criteria provided, single submitter. Criteria: Invitae Variant Classification Sherloc (09022015). Collection method: clinical testing. Allele origin: germline.

GeneDx
Classification: Likely benign. Last evaluated: 2021-09-11. Review status: criteria provided, single submitter. Criteria: GeneDx Variant Classification Process June 2021. Collection method: clinical testing. Allele origin: germline. Affected: yes.

Breakthrough Genomics
Classification: Likely benign. Review status: criteria provided, single submitter. Criteria: ACMG Guidelines, 2015. Collection method: not provided. Allele origin: germline. Inheritance: Autosomal recessive inheritance. Affected: yes.

NM_173630.4(RTTN):c.4032+6C>T

Gene: RTTN (rotatin; minus strand). Cytogenetic location: 18q22.2.
Variant type: single nucleotide variant.
Coding change: c.4032+6C>T on transcript NM_173630.4 (MANE Select); 6 bases into the intron after coding-DNA position 4032, C replaced by T.
Molecular consequence: intron variant.
Genome position (GRCh38, 1-based): chr18:70,092,670, G>A on the plus strand (C>T on the coding strand, the complement: RTTN is on the minus strand). VCF-style: chr18-70092670-G-A. GRCh37 (hg19) VCF-style: chr18-67759906-G-A.
Other names: c.1296+6C>T (NM_001318520.2).
Identifiers: ClinVar variation 1206531 (VCV001206531.38), dbSNP rs182157946, ClinGen allele CA8995431.